The following is an entry in ClinVar:

NM_000326.5(RLBP1):c.346+2T>G

Gene: RLBP1 (retinaldehyde binding protein 1; minus strand). Cytogenetic location: 15q26.1.
Variant type: single nucleotide variant.
Coding change: c.346+2T>G on transcript NM_000326.5 (MANE Select); the canonical splice donor site of the intron after coding-DNA position 346, T replaced by G.
Molecular consequence: splice donor variant.
Genome position (GRCh38, 1-based): chr15:89,217,118, A>C on the plus strand (T>G on the coding strand, the complement: RLBP1 is on the minus strand). VCF-style: chr15-89217118-A-C. GRCh37 (hg19) VCF-style: chr15-89760349-A-C.
Identifiers: ClinVar variation 2972776 (VCV002972776.3), dbSNP rs2505862898, ClinGen allele CA393730649.
Genomic context (GRCh38, chr15:89,217,118, plus strand): 5'-GCGGATAGCATCCTCATGGCCTCCCGTCTTCCCAGGGCCGTCCCTCCAAGCACTGGCCTC[A>C]CCTCTGAGCAGCTCATAGGCACGGCCCACGTTGAACTTCCGTGCGCGGATGAAGCGCAGG-3'

ClinVar aggregate classification (germline): Pathogenic (1 of 4 stars; one submission).

Submission:

Labcorp Genetics (formerly Invitae), Labcorp
Classification: Pathogenic. Last evaluated: 2023-07-16. Review status: criteria provided, single submitter. Criteria: Invitae Variant Classification Sherloc (09022015). Collection method: clinical testing. Allele origin: germline.
Comment: Disruption of this splice site has been observed in individual(s) with retinitis punctata albescens (PMID: 31872526). In at least one individual the data is consistent with being in trans (on the opposite chromosome) from a pathogenic variant. This variant is not present in population databases (gnomAD no frequency). This sequence change affects a donor splice site in intron 5 of the RLBP1 gene. It is expected to disrupt RNA splicing. Variants that disrupt the donor or acceptor splice site typically lead to a loss of protein function (PMID: 16199547), and loss-of-function variants in RLBP1 are known to be pathogenic (PMID: 2392416, 11301032, 21447491, 25429852). Algorithms developed to predict the effect of sequence changes on RNA splicing suggest that this variant may disrupt the consensus splice site. For these reasons, this variant has been classified as Pathogenic.

Literature cited by the submitters: PubMed 31872526; PubMed 16199547; PubMed 2392416; PubMed 11301032; PubMed 21447491; PubMed 25429852.